The following is an entry in ClinVar:

ClinVar aggregate classification (germline): Uncertain significance (1 of 4 stars; one submission).

Conditions:
Neurofibromatosis, type 1 (NF1). Also called: Neurofibromatosis, type I; Peripheral type neurofibromatosis; VON RECKLINGHAUSEN DISEASE; NEUROFIBROMATOSIS, TYPE I, SOMATIC. Identifiers: Orphanet 636, MedGen C0027831, MONDO:0018975, OMIM 162200. Disease mechanism: loss of function.

Submission:

Labcorp Genetics (formerly Invitae), Labcorp
Classification: Uncertain significance for Neurofibromatosis, type 1. Last evaluated: 2022-06-23. Review status: criteria provided, single submitter. Criteria: Invitae Variant Classification Sherloc (09022015). Collection method: clinical testing. Allele origin: germline.
Comment: This sequence change replaces glutamine, which is neutral and polar, with glutamic acid, which is acidic and polar, at codon 1972 of the NF1 protein (p.Gln1972Glu). This variant is not present in population databases (gnomAD no frequency). In summary, the available evidence is currently insufficient to determine the role of this variant in disease. Therefore, it has been classified as a Variant of Uncertain Significance. Advanced modeling of protein sequence and biophysical properties (such as structural, functional, and spatial information, amino acid conservation, physicochemical variation, residue mobility, and thermodynamic stability) performed at Invitae indicates that this missense variant is expected to disrupt NF1 protein function. This variant has not been reported in the literature in individuals affected with NF1-related conditions.

NM_001042492.3(NF1):c.5977C>G (p.Gln1993Glu)

Gene: NF1 (neurofibromin 1; plus strand). Cytogenetic location: 17q11.2.
Variant type: single nucleotide variant.
Coding change: c.5977C>G on transcript NM_001042492.3 (MANE Select); coding-DNA position 5977, C replaced by G.
Protein change: p.Gln1993Glu; replaces glutamine 1993 with glutamic acid.
Molecular consequence: missense variant.
Genome position (GRCh38, 1-based): chr17:31,335,002, C>G. VCF-style: chr17-31335002-C-G. GRCh37 (hg19) VCF-style: chr17-29662020-C-G.
Other names: c.5914C>G, p.Gln1972Glu (NM_000267.4); short protein forms Q1972E, Q1993E.
Identifiers: ClinVar variation 2009615 (VCV002009615.4), dbSNP rs2151550703, ClinGen allele CA399010916.